The following is an entry in ClinVar:

NM_004183.4(BEST1):c.1490C>A (p.Thr497Asn)

Gene: BEST1 (bestrophin 1; plus strand). Cytogenetic location: 11q12.3.
Variant type: single nucleotide variant.
Coding change: c.1490C>A on transcript NM_004183.4 (MANE Select); coding-DNA position 1490, C replaced by A.
Protein change: p.Thr497Asn; replaces threonine 497 with asparagine.
Molecular consequence: missense variant. On other transcripts: non-coding transcript variant (1).
Genome position (GRCh38, 1-based): chr11:61,962,644, C>A. VCF-style: chr11-61962644-C-A. GRCh37 (hg19) VCF-style: chr11-61730116-C-A.
Other names: c.1310C>A, p.Thr437Asn (NM_001139443.3, NM_001300787.2); c.1229C>A, p.Thr410Asn (NM_001300786.2); c.1172C>A, p.Thr391Asn (NM_001363591.3); c.*385C>A (NM_001363592.2); c.518C>A, p.Thr173Asn (NM_001363593.3); c.1490C>A (NM_004183.3); short protein forms T173N, T391N, T410N, T437N, T497N.
Identifiers: ClinVar variation 1002706 (VCV001002706.12), dbSNP rs578075838, ClinGen allele CA6041067.

ClinVar aggregate classification (germline): Uncertain significance. Review status: criteria provided, multiple submitters, no conflicts (2 of 4 stars). 3 submissions from 3 submitters: Uncertain significance (3). Last evaluated 2026-07-03.

Conditions:
Inborn genetic diseases. Identifiers: MedGen C0950123, MeSH D030342.

Allele frequency attached by ClinVar (database versions not stated): ExAC 0.00001; 1000 Genomes Project 0.00020; 1000 Genomes Project 30x 0.00016.

Submissions (3):

Ambry Genetics
Classification: Uncertain significance for Inborn genetic diseases. Last evaluated: 2026-07-03. Review status: criteria provided, single submitter. Criteria: Ambry Variant Classification Scheme 2023. Collection method: clinical testing. Allele origin: germline.

Blueprint Genetics
Classification: Uncertain significance. Last evaluated: 2023-07-11. Review status: criteria provided, single submitter. Criteria: ACMG Guidelines, 2015. Collection method: clinical testing. Allele origin: germline.

Labcorp Genetics (formerly Invitae), Labcorp
Classification: Uncertain significance. Last evaluated: 2022-02-24. Review status: criteria provided, single submitter. Criteria: Invitae Variant Classification Sherloc (09022015). Collection method: clinical testing. Allele origin: germline.
Comment: In summary, the available evidence is currently insufficient to determine the role of this variant in disease. Therefore, it has been classified as a Variant of Uncertain Significance. Advanced modeling of protein sequence and biophysical properties (such as structural, functional, and spatial information, amino acid conservation, physicochemical variation, residue mobility, and thermodynamic stability) performed at Invitae indicates that this missense variant is not expected to disrupt BEST1 protein function. ClinVar contains an entry for this variant (Variation ID: 1002706). This variant has not been reported in the literature in individuals affected with BEST1-related conditions. This variant is present in population databases (rs578075838, gnomAD 0.007%). This sequence change replaces threonine, which is neutral and polar, with asparagine, which is neutral and polar, at codon 497 of the BEST1 protein (p.Thr497Asn).